The following is an entry in ClinVar:

ClinVar aggregate classification (germline): Pathogenic (1 of 4 stars; one submission).

Conditions:
Propionic acidemia (PROP). Also called: GLYCINEMIA, KETOTIC; HYPERGLYCINEMIA WITH KETOACIDOSIS AND LEUKOPENIA; KETOTIC HYPERGLYCINEMIA. Identifiers: Orphanet 35, MedGen C0268579, MONDO:0011628, OMIM 606054, HP:0003571.

Submission:

Women's Health and Genetics/Laboratory Corporation of America, LabCorp
Classification: Pathogenic for Propionic acidemia. Last evaluated: 2024-08-09. Review status: criteria provided, single submitter. Criteria: LabCorp Variant Classification Summary - May 2015. Collection method: clinical testing. Allele origin: germline.
Comment: Variant summary: PCCB c.1218_1228delinsTAGAGCACA (p.Gly407ArgfsX14) results in a premature termination codon, predicted to cause a truncation of the encoded protein or absence of the protein due to nonsense mediated decay, which are commonly known mechanisms for disease. The variant was absent in 282460 control chromosomes. c.1218_1228delinsTAGAGCACA has been reported in the literature in multiple individuals affected with Propionic Acidemia and has been reported as a common pathogenic variant. These data indicate that the variant is very likely to be associated with disease. To our knowledge, no experimental evidence demonstrating an impact on protein function has been reported. The following publication have been ascertained in the context of this evaluation (PMID: 9683601). No submitters have cited clinical-significance assessments for this variant to ClinVar. Based on the evidence outlined above, the variant was classified as pathogenic.

Literature cited by the submitters: PubMed 9683601.

NM_000532.5(PCCB):c.1218_1228delinsTAGAGCACA (p.Gly407fs)

Gene: PCCB (propionyl-CoA carboxylase subunit beta; plus strand). Cytogenetic location: 3q22.3.
Variant type: Indel.
Coding change: c.1218_1228delinsTAGAGCACA on transcript NM_000532.5 (MANE Select); coding-DNA positions 1218 to 1228, GGGCATCATCC replaced by TAGAGCACA.
Protein change: p.Gly407fs; shifts the reading frame from glycine 407.
Molecular consequence: frameshift variant.
Genome position (GRCh38, 1-based): chr3:136,327,174-136,327,184, GGGCATCATCC replaced by TAGAGCACA. VCF-style: chr3-136327174-GGGCATCATCC-TAGAGCACA. GRCh37 (hg19) VCF-style: chr3-136046016-GGGCATCATCC-TAGAGCACA.
Other names: c.1278_1288delinsTAGAGCACA, p.Gly427fs (NM_001178014.2); short protein forms G407fs, G427fs.
Identifiers: ClinVar variation 3366365 (VCV003366365.1).
Genomic context (GRCh38, chr3:136,327,174, plus strand): 5'-TGAGGACTTGTGGGTATCTAGTAACTCTTCCTCATGTCTAGGCACAGCACAGGAATACGG[GGGCATCATCC>TAGAGCACA]GGCATGGTGCCAAGCTTCTCTACGCATTTGCTGAGGCAACTGTACCCAAAGTCACAGTCA-3'